The following is an entry in ClinVar:

ClinVar aggregate classification (germline): Uncertain significance (1 of 4 stars; one submission).

Submission:

GeneDx
Classification: Uncertain significance. Last evaluated: 2025-05-14. Review status: criteria provided, single submitter. Criteria: GeneDx Variant Classification Process June 2021. Collection method: clinical testing. Allele origin: germline. Affected: yes.
Comment: Not observed at significant frequency in large population cohorts (gnomAD); In silico analysis suggests that this missense variant does not alter protein structure/function; Has not been previously published as pathogenic or benign to our knowledge

NM_001080421.3(UNC13A):c.2836A>G (p.Ile946Val)

Gene: UNC13A (unc-13 homolog A; minus strand). Cytogenetic location: 19p13.11.
Variant type: single nucleotide variant.
Coding change: c.2836A>G on transcript NM_001080421.3 (MANE Select); coding-DNA position 2836, A replaced by G.
Protein change: p.Ile946Val; replaces isoleucine 946 with valine.
Molecular consequence: missense variant.
Genome position (GRCh38, 1-based): chr19:17,639,860, T>C on the plus strand (A>G on the coding strand, the complement: UNC13A is on the minus strand). VCF-style: chr19-17639860-T-C. GRCh37 (hg19) VCF-style: chr19-17750669-T-C.
Other names: c.2830A>G, p.Ile944Val (NM_001387022.1, NM_001387023.1, NM_001387021.1); short protein forms I944V, I946V.
Identifiers: ClinVar variation 4529815 (VCV004529815.1).